The following is an entry in ClinVar:

NM_001127208.3(TET2):c.2269C>A (p.Leu757Ile)

Genes: TET2 (tet methylcytosine dioxygenase 2; plus strand), TET2-AS1 (TET2 antisense RNA 1; minus strand). Cytogenetic location: 4q24.
Variant type: single nucleotide variant.
Coding change: c.2269C>A on transcript NM_001127208.3 (MANE Select); coding-DNA position 2269, C replaced by A.
Protein change: p.Leu757Ile; replaces leucine 757 with isoleucine.
Molecular consequence: missense variant.
Genome position (GRCh38, 1-based): chr4:105,236,211, C>A. VCF-style: chr4-105236211-C-A. GRCh37 (hg19) VCF-style: chr4-106157368-C-A.
Other names: c.2269C>A, p.Leu757Ile (NM_017628.4); short protein forms L757I.
Identifiers: ClinVar variation 4594164 (VCV004594164.1).

ClinVar aggregate classification (germline): Uncertain significance (1 of 4 stars; one submission).

Submission:

Ambry Genetics
Classification: Uncertain significance. Last evaluated: 2025-10-19. Review status: criteria provided, single submitter. Criteria: Ambry Variant Classification Scheme 2023. Collection method: clinical testing. Allele origin: germline.
Comment: The p.L757I variant (also known as c.2269C>A), located in coding exon 1 of the TET2 gene, results from a C to A substitution at nucleotide position 2269. The leucine at codon 757 is replaced by isoleucine, an amino acid with highly similar properties. This amino acid position is conserved. In addition, this alteration is predicted to be tolerated by in silico analysis. Based on the available evidence, the clinical significance of this variant remains unclear.